The following is an entry in ClinVar:

NM_182961.4(SYNE1):c.8574A>G (p.Ser2858=)

Genes: SYNE1 (spectrin repeat containing nuclear envelope protein 1; minus strand), LOC126859838 (CDK7 strongly-dependent group 2 enhancer GRCh37_chr6:152706655-152707854; plus strand). Cytogenetic location: 6q25.2.
Variant type: single nucleotide variant.
Coding change: c.8574A>G on transcript NM_182961.4 (MANE Select); coding-DNA position 8574, A replaced by G.
Protein change: p.Ser2858=; no amino-acid change (serine 2858 retained).
Molecular consequence: synonymous variant.
Genome position (GRCh38, 1-based): chr6:152,385,752, T>C on the plus strand (A>G on the coding strand, the complement: SYNE1 is on the minus strand). VCF-style: chr6-152385752-T-C. GRCh37 (hg19) VCF-style: chr6-152706887-T-C.
Other names: p.Ser2865=; c.8595A>G, p.Ser2865= (NM_033071.5); c.8595A>G (NM_033071.3); c.8574A>G (NM_182961.2).
Identifiers: ClinVar variation 288610 (VCV000288610.12), dbSNP rs139079964, ClinGen allele CA4057511.

ClinVar aggregate classification (germline): Conflicting classifications of pathogenicity. Review status: criteria provided, conflicting classifications (1 of 4 stars). 4 submissions from 4 submitters: Uncertain significance (1); Likely benign (3). Last evaluated 2025-11-16.

Conditions:
Autosomal recessive ataxia, Beauce type. Also called: Spinocerebellar ataxia, autosomal recessive 8; ATAXIA, RECESSIVE, OF BEAUCE; SYNE1 Deficiency; SYNE1-Related Autosomal Recessive Cerebellar Ataxia. Identifiers: Orphanet 88644, MedGen C1853116, MONDO:0012549, OMIM 610743.
Emery-Dreifuss muscular dystrophy 4, autosomal dominant (EDMD4). Also called: EMERY-DREIFUSS MUSCULAR DYSTROPHY 4 WITH VARIABLE FEATURES. Identifiers: Orphanet 261, MedGen C2751807, MONDO:0013071, OMIM 612998.

Allele frequency attached by ClinVar (database versions not stated): gnomAD exomes 0.00001 and 0.00002; ExAC 0.00005; ESP Exome Variant Server 0.00008; gnomAD 0.00015 and 0.00019; TOPMed 0.00020.
gnomAD v4.1: 41 of 1,614,050 alleles (0.0025%); highest among the groups gnomAD compares: African/African-American, 0.049%; no homozygotes.

Submissions (4):

Labcorp Genetics (formerly Invitae), Labcorp
Classification: Likely benign for Emery-Dreifuss muscular dystrophy 4, autosomal dominant; Autosomal recessive ataxia, Beauce type. Last evaluated: 2025-11-16. Review status: criteria provided, single submitter. Criteria: Invitae Variant Classification Sherloc (09022015). Collection method: clinical testing. Allele origin: germline.

Athena Diagnostics
Classification: Likely benign. Last evaluated: 2025-10-22. Review status: criteria provided, single submitter. Criteria: Athena Diagnostics Criteria. Collection method: clinical testing. Allele origin: unknown.
Comment: Computational tools yielded predictions that this variant is unlikely to have an effect on normal RNA splicing. This nucleotide position exhibits low evolutionary conservation.

Mayo Clinic Laboratories, Mayo Clinic
Classification: Likely benign. Last evaluated: 2025-08-04. Review status: criteria provided, single submitter. Criteria: ACMG Guidelines, 2015. Collection method: clinical testing. Allele origin: germline. Observed: 1 variant allele.
Comment: BP4, BP7

Eurofins Ntd Llc (ga)
Classification: Uncertain significance. Last evaluated: 2017-10-09. Review status: criteria provided, single submitter. Criteria: EGL Classification Definitions 2015. Collection method: clinical testing. Allele origin: germline. Observed: 2 variant alleles, 2 heterozygotes.